The following is an entry in ClinVar:

ClinVar aggregate classification (germline): Uncertain significance (1 of 4 stars; one submission).

Conditions:
Brugada syndrome 8 (BRGDA8). Identifiers: Orphanet 130, MedGen C2751083, MONDO:0013148, OMIM 613123.

Submission:

Labcorp Genetics (formerly Invitae), Labcorp
Classification: Uncertain significance for Brugada syndrome 8. Last evaluated: 2023-09-24. Review status: criteria provided, single submitter. Criteria: Invitae Variant Classification Sherloc (09022015). Collection method: clinical testing. Allele origin: germline.
Comment: This variant is not present in population databases (gnomAD no frequency). This variant has not been reported in the literature in individuals affected with HCN4-related conditions. Experimental studies and prediction algorithms are not available or were not evaluated, and the functional significance of this variant is currently unknown. In summary, the available evidence is currently insufficient to determine the role of this variant in disease. Therefore, it has been classified as a Variant of Uncertain Significance. This sequence change creates a premature translational stop signal (p.Leu1165Valfs*28) in the HCN4 gene. While this is not anticipated to result in nonsense mediated decay, it is expected to disrupt the last 39 amino acid(s) of the HCN4 protein.

NM_005477.3(HCN4):c.3493_3494del (p.Leu1165fs)

Gene: HCN4 (hyperpolarization activated cyclic nucleotide gated potassium channel 4; minus strand). Cytogenetic location: 15q24.1.
Variant type: Microsatellite.
Coding change: c.3493_3494del on transcript NM_005477.3 (MANE Select); coding-DNA positions 3493 to 3494, 2 bases deleted (CT; older notation c.3493_3494delCT).
Protein change: p.Leu1165fs; shifts the reading frame from leucine 1165.
Molecular consequence: frameshift variant.
Genome position (GRCh38, 1-based): chr15:73,322,599-73,322,600, AG deleted on the plus strand (CT on the coding strand, the reverse complement: HCN4 is on the minus strand); deleting any 2 consecutive bases within chr15:73,322,599-73,322,602 gives the same sequence; the c. name uses the placement nearest the transcript's 3' end. VCF-style (leftmost placement, unchanged base first): chr15-73322598-CAG-C. GRCh37 (hg19) VCF-style: chr15-73614939-CAG-C.
Other names: short protein forms L1165fs.
Identifiers: ClinVar variation 2726708 (VCV002726708.1), dbSNP rs2549067795, ClinGen allele CA2697549178.